The following is an entry in ClinVar:

ClinVar aggregate classification (germline): Uncertain significance (1 of 4 stars; one submission).

Submission:

Labcorp Genetics (formerly Invitae), Labcorp
Classification: Uncertain significance. Last evaluated: 2025-09-30. Review status: criteria provided, single submitter. Criteria: Invitae Variant Classification Sherloc (09022015). Collection method: clinical testing. Allele origin: germline.
Comment: This sequence change replaces serine, which is neutral and polar, with phenylalanine, which is neutral and non-polar, at codon 382 of the PHF14 protein (p.Ser382Phe). This variant is not present in population databases (gnomAD no frequency). This variant has not been reported in the literature in individuals affected with PHF14-related conditions. An algorithm developed to predict the effect of missense changes on protein structure and function (PolyPhen-2) suggests that this variant is likely to be tolerated. In summary, the available evidence is currently insufficient to determine the role of this variant in disease. Therefore, it has been classified as a Variant of Uncertain Significance.

NM_001007157.2(PHF14):c.1145C>T (p.Ser382Phe)

Gene: PHF14 (PHD finger protein 14; plus strand). Cytogenetic location: 7p21.3.
Variant type: single nucleotide variant.
Coding change: c.1145C>T on transcript NM_001007157.2 (MANE Select); coding-DNA position 1145, C replaced by T.
Protein change: p.Ser382Phe; replaces serine 382 with phenylalanine.
Molecular consequence: missense variant. On other transcripts: non-coding transcript variant (2).
Genome position (GRCh38, 1-based): chr7:11,013,846, C>T. VCF-style: chr7-11013846-C-T. GRCh37 (hg19) VCF-style: chr7-11053473-C-T.
Other names: c.1145C>T, p.Ser382Phe (NM_014660.4); short protein forms S382F.
Identifiers: ClinVar variation 4727893 (VCV004727893.1).
Genomic context (GRCh38, chr7:11,013,846, plus strand): 5'-GTTCAGCTTCTGAAAACTCCACTGAACCTTGGTTTTGTGATGCCTGTAAATGTGGTGTTT[C>T]TCCTAGCTGTGAACTGTGTCCTAATCAGGATGGAATTTTCAAGGAGACAGATGCTGGAAG-3'
Protein context (NP_001007158.1, residues 372-392): WFCDACKCGV[Ser382Phe]PSCELCPNQD